The following is an entry in ClinVar:

NM_014639.4(SKIC3):c.2323A>T (p.Thr775Ser)

Gene: SKIC3 (SKI3 subunit of superkiller complex; minus strand). Cytogenetic location: 5q15.
Variant type: single nucleotide variant.
Coding change: c.2323A>T on transcript NM_014639.4 (MANE Select); coding-DNA position 2323, A replaced by T.
Protein change: p.Thr775Ser; replaces threonine 775 with serine.
Molecular consequence: missense variant.
Genome position (GRCh38, 1-based): chr5:95,517,029, T>A on the plus strand (A>T on the coding strand, the complement: SKIC3 is on the minus strand). VCF-style: chr5-95517029-T-A. GRCh37 (hg19) VCF-style: chr5-94852733-T-A.
Other names: c.2323A>T (NM_014639.3); short protein forms T775S.
Identifiers: ClinVar variation 1359830 (VCV001359830.7), dbSNP rs149341399, ClinGen allele CA3347110.
Genomic context (GRCh38, chr5:95,517,029, plus strand): 5'-CTGCTAGATGTTGTGCTTGGCGATAATAATTAATTCCAAGGTCACACCATGTATTAGATG[T>A]AGACATCAGTTTTAATGCACGACCATAACACCTACGGGAATATAAAAGTGAATGTTTTTT-3'
Protein context (NP_055454.1, residues 765-785): CYGRALKLMS[Thr775Ser]SNTWCDLGIN

ClinVar aggregate classification (germline): Uncertain significance. Review status: criteria provided, multiple submitters, no conflicts (2 of 4 stars). 4 submissions from 4 submitters: Uncertain significance (3). 1 of the submissions does not count toward it. Last evaluated 2026-02-24.

Conditions:
Inborn genetic diseases. Identifiers: MedGen C0950123, MeSH D030342.
SKIC3-related disorder. Also called: SKIC3-related condition.

Allele frequency attached by ClinVar (database versions not stated): ExAC 0.00004; gnomAD 0.00008 and 0.00009; gnomAD exomes 0.00008 and 0.00020; TOPMed 0.00010; 1000 Genomes Project 30x 0.00016; 1000 Genomes Project 0.00020.
gnomAD v4.1: 305 of 1,613,658 alleles (0.019%); highest among the groups gnomAD compares: Non-Finnish European, 0.024%; no homozygotes.

Submissions (4):

GeneDx
Classification: Uncertain significance. Last evaluated: 2026-02-24. Review status: criteria provided, single submitter. Criteria: GeneDx Variant Classification Process June 2021. Collection method: clinical testing. Allele origin: germline.
Comment: In silico analysis suggests that this missense variant does not alter protein structure/function; Has not been previously published as pathogenic or benign to our knowledge

Ambry Genetics
Classification: Uncertain significance for Inborn genetic diseases. Last evaluated: 2025-08-13. Review status: criteria provided, single submitter. Criteria: Ambry Variant Classification Scheme 2023. Collection method: clinical testing. Allele origin: germline.

Labcorp Genetics (formerly Invitae), Labcorp
Classification: Uncertain significance. Last evaluated: 2022-08-01. Review status: criteria provided, single submitter. Criteria: Invitae Variant Classification Sherloc (09022015). Collection method: clinical testing. Allele origin: germline.
Comment: This sequence change replaces threonine, which is neutral and polar, with serine, which is neutral and polar, at codon 775 of the TTC37 protein (p.Thr775Ser). This variant is present in population databases (rs149341399, gnomAD 0.02%). This variant has not been reported in the literature in individuals affected with TTC37-related conditions. ClinVar contains an entry for this variant (Variation ID: 1359830). Algorithms developed to predict the effect of missense changes on protein structure and function (SIFT, PolyPhen-2, Align-GVGD) all suggest that this variant is likely to be tolerated. In summary, the available evidence is currently insufficient to determine the role of this variant in disease. Therefore, it has been classified as a Variant of Uncertain Significance.

PreventionGenetics, part of Exact Sciences
Classification: Uncertain significance for SKIC3-related condition. Last evaluated: 2024-05-02. Review status: no assertion criteria provided. Collection method: clinical testing. Allele origin: germline. Not counted in ClinVar's aggregate classification.
Comment: The SKIC3 c.2323A>T variant is predicted to result in the amino acid substitution p.Thr775Ser. To our knowledge, this variant has not been reported in the literature. This variant is reported in 0.016% of alleles in individuals of European (Non-Finnish) descent in gnomAD. At this time, the clinical significance of this variant is uncertain due to the absence of conclusive functional and genetic evidence.